The following is an entry in ClinVar:

ClinVar aggregate classification (germline): Uncertain significance (1 of 4 stars; one submission).

gnomAD v4.1: 1 of 1,599,282 alleles (0.000063%); highest among the groups gnomAD compares: Non-Finnish European, 0.000085%; no homozygotes.

Submission:

Labcorp Genetics (formerly Invitae), Labcorp
Classification: Uncertain significance. Last evaluated: 2025-05-31. Review status: criteria provided, single submitter. Criteria: Invitae Variant Classification Sherloc (09022015). Collection method: clinical testing. Allele origin: germline.
Comment: This sequence change replaces threonine, which is neutral and polar, with alanine, which is neutral and non-polar, at codon 61 of the THBD protein (p.Thr61Ala). This variant is not present in population databases (gnomAD no frequency). This variant has not been reported in the literature in individuals affected with THBD-related conditions. Invitae Evidence Modeling of protein sequence and biophysical properties (such as structural, functional, and spatial information, amino acid conservation, physicochemical variation, residue mobility, and thermodynamic stability) has been performed for this missense variant. However, the output from this modeling did not meet the statistical confidence thresholds required to predict the impact of this variant on THBD protein function. In summary, the available evidence is currently insufficient to determine the role of this variant in disease. Therefore, it has been classified as a Variant of Uncertain Significance.

NM_000361.3(THBD):c.181A>G (p.Thr61Ala)

Gene: THBD (thrombomodulin; minus strand). Cytogenetic location: 20p11.21.
Variant type: single nucleotide variant.
Coding change: c.181A>G on transcript NM_000361.3 (MANE Select); coding-DNA position 181, A replaced by G.
Protein change: p.Thr61Ala; replaces threonine 61 with alanine.
Molecular consequence: missense variant.
Genome position (GRCh38, 1-based): chr20:23,049,324, T>C on the plus strand (A>G on the coding strand, the complement: THBD is on the minus strand). VCF-style: chr20-23049324-T-C. GRCh37 (hg19) VCF-style: chr20-23029961-T-C.
Other names: short protein forms T61A.
Identifiers: ClinVar variation 4765277 (VCV004765277.1).
Genomic context (GRCh38, chr20:23,049,324, plus strand): 5'-CGCCGCCGTCGCCGTTCAGTAGCAAGGAAATGACATCGGCAGCCACCGAGGAGCGCACTG[T>C]CATTAGGTGGCCCCGCAGTCCGTCGCAGATCTGACTGGCATTGAGGAAGGTCGCGGGGCC-3'
Protein context (NP_000352.1, residues 51-71): ICDGLRGHLM[Thr61Ala]VRSSVAADVI